The following is an entry in ClinVar:

NM_000059.4(BRCA2):c.4157A>T (p.Asp1386Val)

Gene: BRCA2 (BRCA2 DNA repair associated; plus strand). Cytogenetic location: 13q13.1.
Variant type: single nucleotide variant.
Coding change: c.4157A>T on transcript NM_000059.4 (MANE Select); coding-DNA position 4157, A replaced by T.
Protein change: p.Asp1386Val; replaces aspartic acid 1386 with valine.
Molecular consequence: missense variant.
Genome position (GRCh38, 1-based): chr13:32,338,512, A>T. VCF-style: chr13-32338512-A-T. GRCh37 (hg19) VCF-style: chr13-32912649-A-T.
Other names: short protein forms D1386V.
Identifiers: ClinVar variation 96803 (VCV000096803.22), dbSNP rs431825316, ClinGen allele CA019633.

ClinVar aggregate classification (germline): Conflicting classifications of pathogenicity. Review status: criteria provided, conflicting classifications (1 of 4 stars). 6 submissions from 6 submitters: Uncertain significance (4); Likely benign (1). 1 of the submissions does not count toward it. Last evaluated 2024-03-05.

Conditions:
BRCA2-related cancer predisposition. Identifiers: MedGen CN377758, MONDO:0700269.
Hereditary cancer-predisposing syndrome. Also called: Hereditary Cancer Syndrome; Neoplastic Syndromes, Hereditary; Hereditary neoplastic syndrome; Tumor predisposition. Identifiers: Orphanet 140162, MedGen C0027672, MeSH D009386, MONDO:0015356.
Hereditary breast ovarian cancer syndrome. Also called: Breast and ovarian cancer; Hereditary breast and/or ovarian cancer syndrome; Hereditary breast and ovarian cancer; Hereditary breast and ovarian cancer syndrome; Hereditary breast and ovarian cancer syndrome (HBOC); BRCA1- and BRCA2-Associated Hereditary Breast and Ovarian Cancer. Identifiers: Orphanet 145, MedGen C0677776, MeSH D061325, MONDO:0003582. Disease mechanism: loss of function.
Breast-ovarian cancer, familial, susceptibility to, 2 (BROVCA2). Also called: BRCA2 Hereditary Breast and Ovarian Cancer. Identifiers: Orphanet 145, MedGen C2675520, MONDO:0012933, OMIM 612555. Disease mechanism: loss of function.

Allele frequency attached by ClinVar (database versions not stated): gnomAD exomes below 0.00001; ExAC 0.00001.
gnomAD v4.1: 1 of 1,604,470 alleles (0.000062%); highest among the groups gnomAD compares: Admixed American, 0.0017%; no homozygotes.

Submissions (6):

All of Us Research Program, National Institutes of Health
Classification: Uncertain significance for BRCA2-related cancer predisposition. Last evaluated: 2024-03-05. Review status: criteria provided, single submitter. Criteria: ACMG Guidelines, 2015. Collection method: clinical testing. Allele origin: germline. Inheritance: Autosomal dominant inheritance. Observed: 1 variant allele, 1 heterozygote.
Comment: This missense variant replaces aspartic acid with valine at codon 1386 of the BRCA2 protein. Computational prediction suggests that this variant may not impact protein structure and function (internally defined REVEL score threshold <= 0.5, PMID: 27666373). Splice site prediction tools suggest that this variant may not impact RNA splicing. To our knowledge, functional studies have not been reported for this variant. This variant has not been reported in individuals affected with hereditary cancer in the literature. This variant has been identified in 1/239924 chromosomes in the general population by the Genome Aggregation Database (gnomAD). The available evidence is insufficient to determine the role of this variant in disease conclusively. Therefore, this variant is classified as a Variant of Uncertain Significance.

This study involves interpretation of variants in research participants for the purpose of population health screening. Participant phenotype was not available at the time of variant classification. Additional details can be found in publication PMID: 35346344, PMCID: PMC8962531

Ambry Genetics
Classification: Uncertain significance for Hereditary cancer-predisposing syndrome. Last evaluated: 2024-02-22. Review status: criteria provided, single submitter. Criteria: Ambry Variant Classification Scheme 2023. Collection method: clinical testing. Allele origin: germline.
Comment: The p.D1386V variant (also known as c.4157A>T), located in coding exon 10 of the BRCA2 gene, results from an A to T substitution at nucleotide position 4157. The aspartic acid at codon 1386 is replaced by valine, an amino acid with highly dissimilar properties. This amino acid position is well conserved in available vertebrate species. In addition, the in silico prediction for this alteration is inconclusive. Since supporting evidence is limited at this time, the clinical significance of this alteration remains unclear.

Color Diagnostics, LLC DBA Color Health
Classification: Uncertain significance for Hereditary cancer-predisposing syndrome. Last evaluated: 2023-05-09. Review status: criteria provided, single submitter. Criteria: ACMG Guidelines, 2015. Collection method: clinical testing. Allele origin: germline.
Comment: This missense variant replaces aspartic acid with valine at codon 1386 of the BRCA2 protein. Computational prediction suggests that this variant may not impact protein structure and function (internally defined REVEL score threshold <= 0.5, PMID: 27666373). To our knowledge, functional studies have not been reported for this variant. This variant has been detected in individuals affected with BRCA2-associated cancers and/or relevant family history (Color internal data). This variant has been identified in 1/239924 chromosomes in the general population by the Genome Aggregation Database (gnomAD). The available evidence is insufficient to determine the role of this variant in disease conclusively. Therefore, this variant is classified as a Variant of Uncertain Significance.

Labcorp Genetics (formerly Invitae), Labcorp
Classification: Uncertain significance for Hereditary breast ovarian cancer syndrome. Last evaluated: 2023-05-02. Review status: criteria provided, single submitter. Criteria: Invitae Variant Classification Sherloc (09022015). Collection method: clinical testing. Allele origin: germline.
Comment: In summary, the available evidence is currently insufficient to determine the role of this variant in disease. Therefore, it has been classified as a Variant of Uncertain Significance. Advanced modeling of protein sequence and biophysical properties (such as structural, functional, and spatial information, amino acid conservation, physicochemical variation, residue mobility, and thermodynamic stability) performed at Invitae indicates that this missense variant is not expected to disrupt BRCA2 protein function. ClinVar contains an entry for this variant (Variation ID: 96803). This variant has not been reported in the literature in individuals affected with BRCA2-related conditions. This variant is present in population databases (rs431825316, gnomAD 0.003%). This sequence change replaces aspartic acid, which is acidic and polar, with valine, which is neutral and non-polar, at codon 1386 of the BRCA2 protein (p.Asp1386Val).

University of Washington Department of Laboratory Medicine, University of Washington
Classification: Likely benign for Hereditary cancer-predisposing syndrome. Last evaluated: 2023-03-23. Review status: criteria provided, single submitter. Criteria: Dines et al. (Genet Med. 2020). Collection method: curation. Allele origin: germline.
Comment: Missense variant in a coldspot region where missense variants are very unlikely to be pathogenic (PMID:31911673).

BRCA2 exon 11 coldspot. Reclassification based on statistical prior probability.

Sharing Clinical Reports Project (SCRP)
Classification: Uncertain significance for Breast-ovarian cancer, familial 2. Last evaluated: 2012-05-01. Review status: no assertion criteria provided. Collection method: clinical testing. Allele origin: germline. Not counted in ClinVar's aggregate classification.